The following is an entry in ClinVar:

ClinVar aggregate classification (germline): Uncertain significance (1 of 4 stars; one submission).

Allele frequency attached by ClinVar (database versions not stated): gnomAD exomes below 0.00001.
gnomAD v4.1: 1 of 1,021,110 alleles (0.000098%); highest among the groups gnomAD compares: Non-Finnish European, 0.00012%; no homozygotes.

Submission:

Labcorp Genetics (formerly Invitae), Labcorp
Classification: Uncertain significance. Last evaluated: 2022-03-29. Review status: criteria provided, single submitter. Criteria: Invitae Variant Classification Sherloc (09022015). Collection method: clinical testing. Allele origin: germline.
Comment: In summary, the available evidence is currently insufficient to determine the role of this variant in disease. Therefore, it has been classified as a Variant of Uncertain Significance. Algorithms developed to predict the effect of missense changes on protein structure and function (SIFT, PolyPhen-2, Align-GVGD) all suggest that this variant is likely to be disruptive. This variant has not been reported in the literature in individuals affected with CTF1-related conditions. The frequency data for this variant in the population databases is considered unreliable, as metrics indicate insufficient coverage at this position in the gnomAD database. This sequence change replaces alanine, which is neutral and non-polar, with threonine, which is neutral and polar, at codon 131 of the CTF1 protein (p.Ala131Thr).

NM_001330.5(CTF1):c.391G>A (p.Ala131Thr)

Genes: CTF1 (cardiotrophin 1; plus strand), LOC130058878 (ATAC-STARR-seq lymphoblastoid silent region 7400; plus strand). Cytogenetic location: 16p11.2.
Variant type: single nucleotide variant.
Coding change: c.391G>A on transcript NM_001330.5 (MANE Select); coding-DNA position 391, G replaced by A.
Protein change: p.Ala131Thr; replaces alanine 131 with threonine.
Molecular consequence: missense variant. On other transcripts: non-coding transcript variant (1).
Genome position (GRCh38, 1-based): chr16:30,902,324, G>A. VCF-style: chr16-30902324-G-A. GRCh37 (hg19) VCF-style: chr16-30913645-G-A.
Other names: c.388G>A, p.Ala130Thr (NM_001142544.3); short protein forms A130T, A131T.
Identifiers: ClinVar variation 2420335 (VCV002420335.7), dbSNP rs2543740938, ClinGen allele CA395619066.